The following is an entry in ClinVar:

NM_002582.4(PARN):c.122_123del (p.Ser41fs)

Gene: PARN (poly(A)-specific ribonuclease; minus strand). Cytogenetic location: 16p13.12.
Variant type: Microsatellite.
Coding change: c.122_123del on transcript NM_002582.4 (MANE Select); coding-DNA positions 122 to 123, 2 bases deleted (CT; older notation c.122_123delCT).
Protein change: p.Ser41fs; shifts the reading frame from serine 41.
Molecular consequence: frameshift variant. On other transcripts: 5 prime UTR variant (1).
Genome position (GRCh38, 1-based): chr16:14,628,226-14,628,227, AG deleted on the plus strand (CT on the coding strand, the reverse complement: PARN is on the minus strand); deleting any 2 consecutive bases within chr16:14,628,226-14,628,230 gives the same sequence; the c. name uses the placement nearest the transcript's 3' end. VCF-style (leftmost placement, unchanged base first): chr16-14628225-CAG-C. GRCh37 (hg19) VCF-style: chr16-14722082-CAG-C.
Other names: c.-64CT[1] (NM_001134477.3); c.122_123del, p.Ser41fs (NM_001242992.2); short protein forms S41fs.
Identifiers: ClinVar variation 2008012 (VCV002008012.4), dbSNP rs2508640323, ClinGen allele CA2580613428.

ClinVar aggregate classification (germline): Pathogenic (1 of 4 stars; one submission).

Conditions:
Dyskeratosis congenita, autosomal recessive 6 (DKCB6). Identifiers: MedGen C4225356, MONDO:0014600, OMIM 616353.
Pulmonary fibrosis and/or bone marrow failure, Telomere-related, 4. Also called: PULMONARY FIBROSIS AND/OR BONE MARROW FAILURE SYNDROME, TELOMERE-RELATED, 4. Identifiers: Orphanet 2032, MedGen C4225347, MONDO:0014612, OMIM 616371.

Submission:

Labcorp Genetics (formerly Invitae), Labcorp
Classification: Pathogenic for Dyskeratosis congenita, autosomal recessive 6; Pulmonary fibrosis and/or bone marrow failure, Telomere-related, 4. Last evaluated: 2022-06-18. Review status: criteria provided, single submitter. Criteria: Invitae Variant Classification Sherloc (09022015). Collection method: clinical testing. Allele origin: germline.
Comment: For these reasons, this variant has been classified as Pathogenic. This variant has not been reported in the literature in individuals affected with PARN-related conditions. This variant is not present in population databases (gnomAD no frequency). This sequence change creates a premature translational stop signal (p.Ser41Cysfs*7) in the PARN gene. It is expected to result in an absent or disrupted protein product. Loss-of-function variants in PARN are known to be pathogenic (PMID: 9736620, 25848748, 26810774).

Literature cited by the submitters: PubMed 9736620; PubMed 25848748; PubMed 26810774.